The following is an entry in ClinVar:

ClinVar aggregate classification (germline): Benign/Likely benign. Review status: criteria provided, multiple submitters, no conflicts (2 of 4 stars). 5 submissions from 5 submitters: Benign (2); Likely benign (1). 2 of the submissions do not count toward it. Last evaluated 2026-01-28.

Conditions:
Early-infantile DEE. Also called: Early infantile epileptic encephalopathy with suppression bursts; Early infantile epileptic encephalopathy; Ohtahara syndrome. Identifiers: Orphanet 1934, MedGen C0393706, MONDO:0800491.
Developmental and epileptic encephalopathy, 5 (DEE5). Identifiers: Orphanet 3451, MedGen C3150731, MONDO:0013277, OMIM 613477.

Allele frequency attached by ClinVar (database versions not stated): gnomAD 0.00004 and 0.00005; gnomAD exomes 0.00005 and 0.00008; TOPMed 0.00005; ExAC 0.00010; 1000 Genomes Project 30x 0.00016; 1000 Genomes Project 0.00020.
gnomAD v4.1: 82 of 1,613,982 alleles (0.0051%); highest among the groups gnomAD compares: African/African-American, 0.008%; no homozygotes.

Submissions (5):

Labcorp Genetics (formerly Invitae), Labcorp
Classification: Benign for Early-infantile DEE. Last evaluated: 2026-01-28. Review status: criteria provided, single submitter. Criteria: Invitae Variant Classification Sherloc (09022015). Collection method: clinical testing. Allele origin: germline.

Genome-Nilou Lab
Classification: Benign for Developmental and epileptic encephalopathy, 5. Last evaluated: 2021-07-15. Review status: criteria provided, single submitter. Criteria: ACMG Guidelines, 2015. Collection method: clinical testing. Allele origin: germline. Affected: no.

GeneDx
Classification: Likely benign. Last evaluated: 2017-04-26. Review status: criteria provided, single submitter. Criteria: GeneDx Variant Classification (06012015). Collection method: clinical testing. Allele origin: germline. Affected: yes.
Comment: This variant is considered likely benign or benign based on one or more of the following criteria: it is a conservative change, it occurs at a poorly conserved position in the protein, it is predicted to be benign by multiple in silico algorithms, and/or has population frequency not consistent with disease.

Clinical Genetics DNA and cytogenetics Diagnostics Lab, Erasmus MC, Erasmus Medical Center
Classification: Uncertain significance. Review status: no assertion criteria provided. Collection method: clinical testing. Allele origin: germline. Affected: yes. Study: VKGL Data-share Consensus. Not counted in ClinVar's aggregate classification.

Diagnostic Laboratory, Department of Genetics, University Medical Center Groningen
Classification: Uncertain significance. Review status: no assertion criteria provided. Collection method: clinical testing. Allele origin: germline. Affected: yes. Study: VKGL Data-share Consensus. Not counted in ClinVar's aggregate classification.

NM_001130438.3(SPTAN1):c.7390G>A (p.Ala2464Thr)

Gene: SPTAN1 (spectrin alpha, non-erythrocytic 1; plus strand). Cytogenetic location: 9q34.11.
Variant type: single nucleotide variant.
Coding change: c.7390G>A on transcript NM_001130438.3 (MANE Select); coding-DNA position 7390, G replaced by A.
Protein change: p.Ala2464Thr; replaces alanine 2464 with threonine.
Molecular consequence: missense variant.
Genome position (GRCh38, 1-based): chr9:128,633,290, G>A. VCF-style: chr9-128633290-G-A. GRCh37 (hg19) VCF-style: chr9-131395569-G-A.
Other names: c.7315G>A, p.Ala2439Thr (NM_001195532.2); c.7453G>A, p.Ala2485Thr (NM_001363759.2); c.7330G>A, p.Ala2444Thr (NM_001363765.2); c.7375G>A, p.Ala2459Thr (NM_003127.4); short protein forms A2485T, A2464T, A2439T, A2444T, A2459T.
Identifiers: ClinVar variation 658253 (VCV000658253.17), dbSNP rs544843583, ClinGen allele CA5266100.
Genomic context (GRCh38, chr9:128,633,290, plus strand): 5'-GACTACTGCGTCTCCCACATGAAGCCCTACGTGGACGGCAAGGGCCGCGAGCTCCCCACC[G>A]CGTTCGACTACGTGGAGTTCACCCGCTCGCTTTTCGTGAACTGAGCCACTCCCTGGGTCA-3'
Protein context (NP_001123910.1, residues 2454-2474): VDGKGRELPT[Ala2464Thr]FDYVEFTRSL